The following is an entry in ClinVar:

NM_198253.3(TERT):c.685A>C (p.Ser229Arg)

Gene: TERT (telomerase reverse transcriptase; minus strand). Cytogenetic location: 5p15.33.
Variant type: single nucleotide variant.
Coding change: c.685A>C on transcript NM_198253.3 (MANE Select); coding-DNA position 685, A replaced by C.
Protein change: p.Ser229Arg; replaces serine 229 with arginine.
Molecular consequence: missense variant. On other transcripts: non-coding transcript variant (2).
Genome position (GRCh38, 1-based): chr5:1,294,201, T>G on the plus strand (A>C on the coding strand, the complement: TERT is on the minus strand). VCF-style: chr5-1294201-T-G. GRCh37 (hg19) VCF-style: chr5-1294316-T-G.
Other names: c.685A>C, p.Ser229Arg (NM_001193376.3); short protein forms S229R.
Identifiers: ClinVar variation 1046900 (VCV001046900.9), dbSNP rs1212760122, ClinGen allele CA359057032.
Genomic context (GRCh38, chr5:1,294,201, plus strand): 5'-TCCGCTCCGGCTCAGGGGCAGCGCCACGCCTGGGCCTCTTGGGCAACGGCAGACTTCGGC[T>G]GGCACTGCCCCCGCGCCTCCTCGCACCCGGGGCTGGCAGGCCCAGGGGGACCCCGGCCTC-3'
Protein context (NP_937983.2, residues 219-239): PGARRRGGSA[Ser229Arg]RSLPLPKRPR

ClinVar aggregate classification (germline): Uncertain significance (1 of 4 stars; one submission).

Conditions:
Dyskeratosis congenita, autosomal dominant 2. Identifiers: MedGen C3151443, MONDO:0013521, OMIM 613989.
Idiopathic Pulmonary Fibrosis. Also called: Idiopathic fibrosing alveolitis, chronic form; idiopathic fibrosing alveolitis. Identifiers: Orphanet 2032, MedGen C1800706, MeSH D054990, MONDO:0800504.

Allele frequency attached by ClinVar (database versions not stated): TOPMed below 0.00001.

Submission:

Labcorp Genetics (formerly Invitae), Labcorp
Classification: Uncertain significance for Dyskeratosis congenita, autosomal dominant 2; Idiopathic Pulmonary Fibrosis. Last evaluated: 2022-08-16. Review status: criteria provided, single submitter. Criteria: Invitae Variant Classification Sherloc (09022015). Collection method: clinical testing. Allele origin: germline.
Comment: In summary, the available evidence is currently insufficient to determine the role of this variant in disease. Therefore, it has been classified as a Variant of Uncertain Significance. Advanced modeling of protein sequence and biophysical properties (such as structural, functional, and spatial information, amino acid conservation, physicochemical variation, residue mobility, and thermodynamic stability) performed at Invitae indicates that this missense variant is not expected to disrupt TERT protein function. ClinVar contains an entry for this variant (Variation ID: 1046900). This variant has not been reported in the literature in individuals affected with TERT-related conditions. The frequency data for this variant in the population databases is considered unreliable, as metrics indicate poor data quality at this position in the gnomAD database. This sequence change replaces serine, which is neutral and polar, with arginine, which is basic and polar, at codon 229 of the TERT protein (p.Ser229Arg).